The following is an entry in ClinVar:

ClinVar aggregate classification (germline): Uncertain significance. Review status: criteria provided, multiple submitters, no conflicts (2 of 4 stars). 5 submissions from 5 submitters: Uncertain significance (5). Last evaluated 2026-01-19.

Conditions:
Exudative vitreoretinopathy 1 (EVR1). Also called: CRISWICK-SCHEPENS SYNDROME; FEVR, AUTOSOMAL DOMINANT; Familial exudative vitreoretinopathy, autosomal dominant. Identifiers: Orphanet 891, Orphanet 90050, MedGen C1851402, MONDO:0007589, OMIM 133780.
FZD4-related disorder. Also called: FZD4-related condition.
Inborn genetic diseases. Identifiers: MedGen C0950123, MeSH D030342.

Allele frequency attached by ClinVar (database versions not stated): ESP Exome Variant Server 0.00015; 1000 Genomes Project 30x 0.00016; TOPMed 0.00018; 1000 Genomes Project 0.00020.
gnomAD v4.1: 472 of 1,614,026 alleles (0.029%); highest among the groups gnomAD compares: Non-Finnish European, 0.039%; no homozygotes.

Submissions (5):

Labcorp Genetics (formerly Invitae), Labcorp
Classification: Uncertain significance. Last evaluated: 2026-01-19. Review status: criteria provided, single submitter. Criteria: Invitae Variant Classification Sherloc (09022015). Collection method: clinical testing. Allele origin: germline.
Comment: This sequence change replaces glycine, which is neutral and non-polar, with arginine, which is basic and polar, at codon 523 of the FZD4 protein (p.Gly523Arg). This variant is present in population databases (rs199577384, gnomAD 0.02%). This variant has not been reported in the literature in individuals affected with FZD4-related conditions. ClinVar contains an entry for this variant (Variation ID: 946580). Invitae Evidence Modeling of protein sequence and biophysical properties (such as structural, functional, and spatial information, amino acid conservation, physicochemical variation, residue mobility, and thermodynamic stability) indicates that this missense variant is not expected to disrupt FZD4 protein function with a negative predictive value of 80%. In summary, the available evidence is currently insufficient to determine the role of this variant in disease. Therefore, it has been classified as a Variant of Uncertain Significance.

PreventionGenetics, part of Exact Sciences
Classification: Uncertain significance for FZD4-related condition. Last evaluated: 2025-07-03. Review status: criteria provided, single submitter. Criteria: ACMG Guidelines, 2015. Collection method: clinical testing. Allele origin: germline.
Comment: The FZD4 c.1567G>C variant is predicted to result in the amino acid substitution p.Gly523Arg. To our knowledge, this variant has not been reported in the literature. This variant is reported in 0.023% of alleles in individuals of European (Non-Finnish) descent in gnomAD, which may be too frequent for an undocumented disease-causing variant. Although we suspect that this variant may be benign, at this time, the clinical significance of this variant is uncertain due to the absence of conclusive functional and genetic evidence.

Ambry Genetics
Classification: Uncertain significance for Inborn genetic diseases. Last evaluated: 2024-09-20. Review status: criteria provided, single submitter. Criteria: Ambry Variant Classification Scheme 2023. Collection method: clinical testing. Allele origin: germline.

GeneDx
Classification: Uncertain significance. Last evaluated: 2024-08-05. Review status: criteria provided, single submitter. Criteria: GeneDx Variant Classification Process June 2021. Collection method: clinical testing. Allele origin: germline. Affected: yes.
Comment: In silico analysis indicates that this missense variant does not alter protein structure/function; Has not been previously published as pathogenic or benign to our knowledge

Genetics and Molecular Pathology, SA Pathology
Classification: Uncertain significance for Exudative vitreoretinopathy 1. Last evaluated: 2020-11-26. Review status: criteria provided, single submitter. Criteria: ACMG Guidelines, 2015. Collection method: clinical testing. Allele origin: germline. Affected: yes.

NM_012193.4(FZD4):c.1567G>C (p.Gly523Arg)

Genes: FZD4 (frizzled class receptor 4; minus strand), PRSS23 (serine protease 23; plus strand). Cytogenetic location: 11q14.2.
Variant type: single nucleotide variant.
Coding change: c.1567G>C on transcript NM_012193.4 (MANE Select); coding-DNA position 1567, G replaced by C.
Protein change: p.Gly523Arg; replaces glycine 523 with arginine.
Molecular consequence: missense variant.
Genome position (GRCh38, 1-based): chr11:86,951,189, C>G on the plus strand (G>C on the coding strand, the complement: FZD4 is on the minus strand). VCF-style: chr11-86951189-C-G. GRCh37 (hg19) VCF-style: chr11-86662231-C-G.
Other names: short protein forms G523R.
Identifiers: ClinVar variation 946580 (VCV000946580.15), dbSNP rs199577384, ClinGen allele CA6218296.